The following is an entry in ClinVar:

ClinVar aggregate classification (germline): Uncertain significance (1 of 4 stars; one submission).

Conditions:
Renal cell carcinoma. Identifiers: Orphanet 217071, MedGen C0007134, MeSH D002292, MONDO:0005086, HP:0005584.

Submission:

Labcorp Genetics (formerly Invitae), Labcorp
Classification: Uncertain significance for Renal cell carcinoma. Last evaluated: 2025-06-02. Review status: criteria provided, single submitter. Criteria: Invitae Variant Classification Sherloc (09022015). Collection method: clinical testing. Allele origin: germline.
Comment: This sequence change replaces histidine, which is basic and polar, with asparagine, which is neutral and polar, at codon 689 of the MET protein (p.His689Asn). This variant is not present in population databases (gnomAD no frequency). This variant has not been reported in the literature in individuals affected with MET-related conditions. ClinVar contains an entry for this variant (Variation ID: 3640354). Invitae Evidence Modeling of protein sequence and biophysical properties (such as structural, functional, and spatial information, amino acid conservation, physicochemical variation, residue mobility, and thermodynamic stability) indicates that this missense variant is not expected to disrupt MET protein function with a negative predictive value of 80%. In summary, the available evidence is currently insufficient to determine the role of this variant in disease. Therefore, it has been classified as a Variant of Uncertain Significance.

NM_000245.4(MET):c.2065C>A (p.His689Asn)

Gene: MET (MET proto-oncogene, receptor tyrosine kinase; plus strand). Cytogenetic location: 7q31.2.
Variant type: single nucleotide variant.
Coding change: c.2065C>A on transcript NM_000245.4 (MANE Select); coding-DNA position 2065, C replaced by A.
Protein change: p.His689Asn; replaces histidine 689 with asparagine.
Molecular consequence: missense variant.
Genome position (GRCh38, 1-based): chr7:116,757,737, C>A. VCF-style: chr7-116757737-C-A. GRCh37 (hg19) VCF-style: chr7-116397791-C-A.
Other names: c.2065C>A, p.His689Asn (NM_001127500.3, NM_001324401.3); c.775C>A, p.His259Asn (NM_001324402.2); short protein forms H259N, H689N.
Identifiers: ClinVar variation 3640354 (VCV003640354.2).